The following is an entry in ClinVar:

ClinVar aggregate classification (germline): Uncertain significance (1 of 4 stars; one submission).

Submission:

Labcorp Genetics (formerly Invitae), Labcorp
Classification: Uncertain significance. Last evaluated: 2022-09-06. Review status: criteria provided, single submitter. Criteria: Invitae Variant Classification Sherloc (09022015). Collection method: clinical testing. Allele origin: germline.
Comment: In summary, the available evidence is currently insufficient to determine the role of this variant in disease. Therefore, it has been classified as a Variant of Uncertain Significance. Algorithms developed to predict the effect of sequence changes on RNA splicing suggest that this variant may disrupt the consensus splice site. This variant has not been reported in the literature in individuals affected with RHO-related conditions. This variant is not present in population databases (gnomAD no frequency). This sequence change falls in intron 4 of the RHO gene. It does not directly change the encoded amino acid sequence of the RHO protein.

NM_000539.3(RHO):c.937-27_937-19del

Gene: RHO (rhodopsin; plus strand). Cytogenetic location: 3q22.1.
Variant type: Deletion.
Coding change: c.937-27_937-19del on transcript NM_000539.3 (MANE Select); 27 bases into the intron before coding-DNA position 937 through 19 bases into the intron before coding-DNA position 937, 9 bases deleted (CCCTGACTC; older notation c.937-27_937-19delCCCTGACTC).
Molecular consequence: intron variant.
Genome position (GRCh38, 1-based): chr3:129,533,581-129,533,589, CCCTGACTC deleted. VCF-style (leftmost placement, unchanged base first): chr3-129533580-GCCCTGACTC-G. GRCh37 (hg19) VCF-style: chr3-129252423-GCCCTGACTC-G.
Identifiers: ClinVar variation 2129137 (VCV002129137.4), dbSNP rs2533029469, ClinGen allele CA2580068751.